The following is an entry in ClinVar:

ClinVar aggregate classification (germline): Uncertain significance (1 of 4 stars; one submission).

Conditions:
Hereditary cancer-predisposing syndrome. Also called: Hereditary Cancer Syndrome; Hereditary neoplastic syndrome; Tumor predisposition; Neoplastic Syndromes, Hereditary. Identifiers: Orphanet 140162, MedGen C0027672, MeSH D009386, MONDO:0015356.

Submission:

Ambry Genetics
Classification: Uncertain significance for Hereditary cancer-predisposing syndrome. Last evaluated: 2022-10-30. Review status: criteria provided, single submitter. Criteria: Ambry Variant Classification Scheme 2023. Collection method: clinical testing. Allele origin: germline.
Comment: The p.P809S variant (also known as c.2425C>T), located in coding exon 14 of the DICER1 gene, results from a C to T substitution at nucleotide position 2425. The proline at codon 809 is replaced by serine, an amino acid with similar properties. This amino acid position is conserved. In addition, the in silico prediction for this alteration is inconclusive. Since supporting evidence is limited at this time, the clinical significance of this alteration remains unclear.

NM_177438.3(DICER1):c.2425C>T (p.Pro809Ser)

Gene: DICER1 (dicer 1, ribonuclease III; minus strand). Cytogenetic location: 14q32.13.
Variant type: single nucleotide variant.
Coding change: c.2425C>T on transcript NM_177438.3 (MANE Select); coding-DNA position 2425, C replaced by T.
Protein change: p.Pro809Ser; replaces proline 809 with serine.
Molecular consequence: missense variant. On other transcripts: non-coding transcript variant (6).
Genome position (GRCh38, 1-based): chr14:95,108,335, G>A on the plus strand (C>T on the coding strand, the complement: DICER1 is on the minus strand). VCF-style: chr14-95108335-G-A. GRCh37 (hg19) VCF-style: chr14-95574672-G-A.
Other names: c.2425C>T, p.Pro809Ser (NM_001195573.1, NM_001271282.3, NM_001291628.2 and 13 more transcripts); c.2143C>T, p.Pro715Ser (NM_001395686.1); c.2020C>T, p.Pro674Ser (NM_001395687.1, NM_001395688.1, NM_001395689.1 and 2 more transcripts); c.1858C>T, p.Pro620Ser (NM_001395691.1); c.742C>T, p.Pro248Ser (NM_001395697.1); short protein forms P620S, P248S, P809S, P674S, P715S.
Identifiers: ClinVar variation 1791078 (VCV001791078.2), dbSNP rs2542851795, ClinGen allele CA390882070.
Genomic context (GRCh38, chr14:95,108,335, plus strand): 5'-TTCCTAAGCAAGACGTTTTTGACATAAGTACTCATTATGAAATACCTACCTGAGGTATGG[G>A]TTTGGCCGTCAGTATTCCAAAGCATCTTGTGGTATCTTCAGGAGGATAGAGCTTCCGCCT-3'
Protein context (NP_803187.1, residues 799-819): TRCFGILTAK[Pro809Ser]IPQIPHFPVY